The following is an entry in ClinVar:

ClinVar aggregate classification (germline): Uncertain significance (1 of 4 stars; one submission).

Conditions:
Inborn genetic diseases. Identifiers: MedGen C0950123, MeSH D030342.

Submission:

Ambry Genetics
Classification: Uncertain significance for Inborn genetic diseases. Last evaluated: 2025-03-02. Review status: criteria provided, single submitter. Criteria: Ambry Variant Classification Scheme 2023. Collection method: clinical testing. Allele origin: germline.
Comment: The p.E529Q variant (also known as c.1585G>C), located in coding exon 14 of the KDM1A gene, results from a G to C substitution at nucleotide position 1585. The glutamic acid at codon 529 is replaced by glutamine, an amino acid with highly similar properties. This amino acid position is conserved. In addition, this alteration is predicted to be tolerated by in silico analysis. Based on the available evidence, the clinical significance of this variant remains unclear.

NM_001009999.3(KDM1A):c.1585G>C (p.Glu529Gln)

Gene: KDM1A (lysine demethylase 1A; plus strand). Cytogenetic location: 1p36.12.
Variant type: single nucleotide variant.
Coding change: c.1585G>C on transcript NM_001009999.3 (MANE Select); coding-DNA position 1585, G replaced by C.
Protein change: p.Glu529Gln; replaces glutamic acid 529 with glutamine.
Molecular consequence: missense variant.
Genome position (GRCh38, 1-based): chr1:23,072,160, G>C. VCF-style: chr1-23072160-G-C. GRCh37 (hg19) VCF-style: chr1-23398653-G-C.
Other names: c.1513G>C, p.Glu505Gln (NM_001363654.2, NM_001410763.1, NM_015013.4); c.1573G>C, p.Glu525Gln (NM_001410762.1); short protein forms E505Q, E525Q, E529Q.
Identifiers: ClinVar variation 3863359 (VCV003863359.1).
Genomic context (GRCh38, chr1:23,072,160, plus strand): 5'-TCAGGTTCACTTAATTTTTATCAGGAATATGATGAATTAGCTGAAACACAAGGAAAGCTA[G>C]AAGAAAAACTTCAGGAGTTGGAAGCGAATCCCCCAAGGTAAGGAAAACAAACACAAAAGT-3'
Protein context (NP_001009999.1, residues 519-539): DELAETQGKL[Glu529Gln]EKLQELEANP